The following is an entry in ClinVar:

NM_000152.5(GAA):c.971C>A (p.Pro324Gln)

Gene: GAA (alpha glucosidase; plus strand). Cytogenetic location: 17q25.3.
Variant type: single nucleotide variant.
Coding change: c.971C>A on transcript NM_000152.5 (MANE Select); coding-DNA position 971, C replaced by A.
Protein change: p.Pro324Gln; replaces proline 324 with glutamine.
Molecular consequence: missense variant.
Genome position (GRCh38, 1-based): chr17:80,108,305, C>A. VCF-style: chr17-80108305-C-A. GRCh37 (hg19) VCF-style: chr17-78082104-C-A.
Other names: c.971C>A, p.Pro324Gln (NM_001079803.3, NM_001079804.3, NM_001406741.1 and 1 more transcripts); short protein forms P324Q.
Identifiers: ClinVar variation 3339806 (VCV003339806.1).

ClinVar aggregate classification (germline): Uncertain significance (1 of 4 stars; one submission).

gnomAD v4.1: 5 of 1,613,588 alleles (0.00031%); highest among the groups gnomAD compares: South Asian, 0.0044%; no homozygotes.

Submission:

Women's Health and Genetics/Laboratory Corporation of America, LabCorp
Classification: Uncertain significance. Last evaluated: 2024-06-25. Review status: criteria provided, single submitter. Criteria: LabCorp Variant Classification Summary - May 2015. Collection method: clinical testing. Allele origin: germline.
Comment: Variant summary: GAA c.971C>A (p.Pro324Gln) results in a non-conservative amino acid change in the encoded protein sequence. Five of five in-silico tools predict a damaging effect of the variant on protein function. The variant allele was found at a frequency of 4e-06 in 251214 control chromosomes. The available data on variant occurrences in the general population are insufficient to allow any conclusion about variant significance. To our knowledge, no occurrence of c.971C>A in individuals affected with Glycogen Storage Disease, Type 2 (Pompe Disease) and no experimental evidence demonstrating its impact on protein function have been reported. No submitters have cited clinical-significance assessments for this variant to ClinVar. Based on the evidence outlined above, the variant was classified as uncertain significance.